The following is an entry in ClinVar:

NM_006231.4(POLE):c.1935G>A (p.Met645Ile)

Gene: POLE (DNA polymerase epsilon, catalytic subunit; minus strand). Cytogenetic location: 12q24.33.
Variant type: single nucleotide variant.
Coding change: c.1935G>A on transcript NM_006231.4 (MANE Select); coding-DNA position 1935, G replaced by A.
Protein change: p.Met645Ile; replaces methionine 645 with isoleucine.
Molecular consequence: missense variant.
Genome position (GRCh38, 1-based): chr12:132,668,726, C>T on the plus strand (G>A on the coding strand, the complement: POLE is on the minus strand). VCF-style: chr12-132668726-C-T. GRCh37 (hg19) VCF-style: chr12-133245312-C-T.
Other names: short protein forms M645I.
Identifiers: ClinVar variation 240413 (VCV000240413.19), dbSNP rs561707898, ClinGen allele CA6893751.

ClinVar aggregate classification (germline): Uncertain significance. Review status: criteria provided, multiple submitters, no conflicts (2 of 4 stars). 4 submissions from 4 submitters: Uncertain significance (4). Last evaluated 2025-07-18.

Conditions:
Colorectal cancer, susceptibility to, 12 (CRCS12). Also called: COLORECTAL CANCER, SUSCEPTIBILITY TO, ON CHROMOSOME 12q24. Identifiers: Orphanet 220460, MedGen C3554460, MONDO:0014038, OMIM 615083.
Facial dysmorphism-immunodeficiency-livedo-short stature syndrome. Also called: Facial dysmorphism, immunodeficiency, livedo, and short stature; FILS syndrome. Identifiers: Orphanet 352712, MedGen C3554576, MONDO:0014058, OMIM 615139.
Intrauterine growth retardation, metaphyseal dysplasia, adrenal hypoplasia congenita, genital anomalies, and immunodeficiency. Also called: IMAGEI SYNDROME. Identifiers: MedGen C5193036, MONDO:0032684, OMIM 618336.
Hereditary cancer-predisposing syndrome. Also called: Tumor predisposition; Neoplastic Syndromes, Hereditary; Hereditary Cancer Syndrome; Hereditary neoplastic syndrome. Identifiers: Orphanet 140162, MedGen C0027672, MeSH D009386, MONDO:0015356.

Allele frequency attached by ClinVar (database versions not stated): gnomAD exomes below 0.00001 and 0.00001; gnomAD 0.00001; ExAC 0.00002; 1000 Genomes Project 30x 0.00016; 1000 Genomes Project 0.00020.
gnomAD v4.1: 3 of 1,614,008 alleles (0.00019%); highest among the groups gnomAD compares: East Asian, 0.0067%; no homozygotes.

Submissions (4):

Labcorp Genetics (formerly Invitae), Labcorp
Classification: Uncertain significance. Last evaluated: 2025-07-18. Review status: criteria provided, single submitter. Criteria: Invitae Variant Classification Sherloc (09022015). Collection method: clinical testing. Allele origin: germline.
Comment: This sequence change replaces methionine, which is neutral and non-polar, with isoleucine, which is neutral and non-polar, at codon 645 of the POLE protein (p.Met645Ile). This variant is present in population databases (rs561707898, gnomAD 0.01%). This variant has not been reported in the literature in individuals affected with POLE-related conditions. ClinVar contains an entry for this variant (Variation ID: 240413). Invitae Evidence Modeling of protein sequence and biophysical properties (such as structural, functional, and spatial information, amino acid conservation, physicochemical variation, residue mobility, and thermodynamic stability) indicates that this missense variant is not expected to disrupt POLE protein function with a negative predictive value of 80%. In summary, the available evidence is currently insufficient to determine the role of this variant in disease. Therefore, it has been classified as a Variant of Uncertain Significance.

Ambry Genetics
Classification: Uncertain significance for Hereditary cancer-predisposing syndrome. Last evaluated: 2025-03-22. Review status: criteria provided, single submitter. Criteria: Ambry Variant Classification Scheme 2023. Collection method: clinical testing. Allele origin: germline.
Comment: The p.M645I variant (also known as c.1935G>A), located in coding exon 18 of the POLE gene, results from a G to A substitution at nucleotide position 1935. The methionine at codon 645 is replaced by isoleucine, an amino acid with highly similar properties. This amino acid position is conserved. In addition, this alteration is predicted to be tolerated by in silico analysis. Based on the available evidence, the clinical significance of this variant remains unclear.

Fulgent Genetics
Classification: Uncertain significance for Colorectal cancer, susceptibility to, 12; Facial dysmorphism-immunodeficiency-livedo-short stature syndrome; Intrauterine growth retardation, metaphyseal dysplasia, adrenal hypoplasia congenita, genital anomalies, and immunodeficiency. Last evaluated: 2024-05-09. Review status: criteria provided, single submitter. Criteria: ACMG Guidelines, 2015. Collection method: clinical testing. Allele origin: germline.

GeneDx
Classification: Uncertain significance. Last evaluated: 2024-03-19. Review status: criteria provided, single submitter. Criteria: GeneDx Variant Classification Process June 2021. Collection method: clinical testing. Allele origin: germline. Affected: yes.
Comment: Not observed at significant frequency in large population cohorts (gnomAD); In silico analysis suggests this variant may impact gene splicing. In the absence of RNA/functional studies, the actual effect of this sequence change is unknown.; In silico analysis supports that this missense variant does not alter protein structure/function; Has not been previously published as pathogenic or benign to our knowledge; This variant is associated with the following publications: (PMID: 20951805)